The following is an entry in ClinVar:

NM_007294.4(BRCA1):c.3245C>A (p.Ala1082Asp)

Genes: BRCA1 (BRCA1 DNA repair associated; minus strand), LOC126862571 (BRD4-independent group 4 enhancer GRCh37_chr17:41243136-41244335; plus strand). Cytogenetic location: 17q21.31.
Variant type: single nucleotide variant.
Coding change: c.3245C>A on transcript NM_007294.4 (MANE Select); coding-DNA position 3245, C replaced by A.
Protein change: p.Ala1082Asp; replaces alanine 1082 with aspartic acid.
Molecular consequence: missense variant. On other transcripts: intron variant (137).
Genome position (GRCh38, 1-based): chr17:43,092,286, G>T on the plus strand (C>A on the coding strand, the complement: BRCA1 is on the minus strand). VCF-style: chr17-43092286-G-T. GRCh37 (hg19) VCF-style: chr17-41244303-G-T.
Other names: c.3032C>A, p.Ala1011Asp (NM_001407571.1, NM_001407853.1, NM_001407894.1 and 9 more transcripts); c.3245C>A, p.Ala1082Asp (NM_001407581.1, NM_001407582.1, NM_001407583.1 and 30 more transcripts); c.3242C>A, p.Ala1081Asp (NM_001407587.1, NM_001407590.1, NM_001407591.1 and 22 more transcripts); c.3236C>A, p.Ala1079Asp (NM_001407646.1, NM_001407647.1); c.3122C>A, p.Ala1041Asp (NM_001407648.1, NM_001407664.1, NM_001407665.1 and 19 more transcripts); c.3119C>A, p.Ala1040Asp (NM_001407649.1, NM_001407670.1, NM_001407671.1 and 11 more transcripts); c.3167C>A, p.Ala1056Asp (NM_001407653.1, NM_001407654.1, NM_001407655.1 and 4 more transcripts); c.3164C>A, p.Ala1055Asp (NM_001407659.1, NM_001407660.1, NM_001407661.1 and 1 more transcripts); and 41 more; short protein forms A1035D, A1082D, A1012D, A1040D, A1081D, A786D, A1034D, A1041D.
Identifiers: ClinVar variation 1396375 (VCV001396375.9), dbSNP rs1555588115, ClinGen allele CA10595493.
Genomic context (GRCh38, chr17:43,092,286, plus strand): 5'-TTACTTCCAGGAAGACTTTGTTTATAGACCTCAGGTTGCAAAACCCCTAATCTAAGCATA[G>T]CATTCAATTTTGGCCCTCTGTTTCTACCTAGTTCTGCTTGAATGTTTTCATCACTGGAAC-3'
Protein context (NP_009225.1, residues 1072-1092): LGRNRGPKLN[Ala1082Asp]MLRLGVLQPE

ClinVar aggregate classification (germline): Conflicting classifications of pathogenicity. Review status: criteria provided, conflicting classifications (1 of 4 stars). 2 submissions from 2 submitters: Uncertain significance (1); Likely benign (1). Last evaluated 2023-03-23.

Conditions:
Hereditary cancer-predisposing syndrome. Also called: Neoplastic Syndromes, Hereditary; Hereditary neoplastic syndrome; Tumor predisposition; Hereditary Cancer Syndrome. Identifiers: Orphanet 140162, MedGen C0027672, MeSH D009386, MONDO:0015356.
Hereditary breast ovarian cancer syndrome. Also called: BRCA1- and BRCA2-Associated Hereditary Breast and Ovarian Cancer; Hereditary breast and ovarian cancer syndrome (HBOC); Hereditary breast and ovarian cancer syndrome; Hereditary breast and ovarian cancer; Breast and ovarian cancer; Hereditary breast and/or ovarian cancer syndrome. Identifiers: Orphanet 145, MedGen C0677776, MeSH D061325, MONDO:0003582. Disease mechanism: loss of function.

Submissions (2):

University of Washington Department of Laboratory Medicine, University of Washington
Classification: Likely benign for Hereditary cancer-predisposing syndrome. Last evaluated: 2023-03-23. Review status: criteria provided, single submitter. Criteria: Dines et al. (Genet Med. 2020). Collection method: curation. Allele origin: germline.
Comment: Missense variant in a coldspot region where missense variants are very unlikely to be pathogenic (PMID:31911673).

BRCA1 coldspot (exon 11 using historical exon numbering). Reclassification based on statistical prior probability

Labcorp Genetics (formerly Invitae), Labcorp
Classification: Uncertain significance for Hereditary breast ovarian cancer syndrome. Last evaluated: 2021-12-05. Review status: criteria provided, single submitter. Criteria: Invitae Variant Classification Sherloc (09022015). Collection method: clinical testing. Allele origin: germline.
Comment: This sequence change replaces alanine, which is neutral and non-polar, with aspartic acid, which is acidic and polar, at codon 1082 of the BRCA1 protein (p.Ala1082Asp). This variant is not present in population databases (gnomAD no frequency). This variant has not been reported in the literature in individuals affected with BRCA1-related conditions. Advanced modeling of protein sequence and biophysical properties (such as structural, functional, and spatial information, amino acid conservation, physicochemical variation, residue mobility, and thermodynamic stability) performed at Invitae indicates that this missense variant is not expected to disrupt BRCA1 protein function. In summary, the available evidence is currently insufficient to determine the role of this variant in disease. Therefore, it has been classified as a Variant of Uncertain Significance.